The following is an entry in ClinVar:

ClinVar aggregate classification (germline): Uncertain significance (1 of 4 stars; one submission).

Conditions:
Early-infantile DEE. Also called: Early infantile epileptic encephalopathy; Early infantile epileptic encephalopathy with suppression bursts; Ohtahara syndrome. Identifiers: Orphanet 1934, MedGen C0393706, MONDO:0800491.

gnomAD v4.1: 1 of 1,613,920 alleles (0.000062%); highest among the groups gnomAD compares: Non-Finnish European, 0.000085%; no homozygotes.

Submission:

Labcorp Genetics (formerly Invitae), Labcorp
Classification: Uncertain significance for Early-infantile DEE. Last evaluated: 2024-12-27. Review status: criteria provided, single submitter. Criteria: Invitae Variant Classification Sherloc (09022015). Collection method: clinical testing. Allele origin: germline.
Comment: This sequence change replaces aspartic acid, which is acidic and polar, with asparagine, which is neutral and polar, at codon 1905 of the SPTAN1 protein (p.Asp1905Asn). This variant is not present in population databases (gnomAD no frequency). This variant has not been reported in the literature in individuals affected with SPTAN1-related conditions. Invitae Evidence Modeling of protein sequence and biophysical properties (such as structural, functional, and spatial information, amino acid conservation, physicochemical variation, residue mobility, and thermodynamic stability) has been performed for this missense variant. However, the output from this modeling did not meet the statistical confidence thresholds required to predict the impact of this variant on SPTAN1 protein function. In summary, the available evidence is currently insufficient to determine the role of this variant in disease. Therefore, it has been classified as a Variant of Uncertain Significance.

NM_001130438.3(SPTAN1):c.5713G>A (p.Asp1905Asn)

Gene: SPTAN1 (spectrin alpha, non-erythrocytic 1; plus strand). Cytogenetic location: 9q34.11.
Variant type: single nucleotide variant.
Coding change: c.5713G>A on transcript NM_001130438.3 (MANE Select); coding-DNA position 5713, G replaced by A.
Protein change: p.Asp1905Asn; replaces aspartic acid 1905 with asparagine.
Molecular consequence: missense variant.
Genome position (GRCh38, 1-based): chr9:128,618,983, G>A. VCF-style: chr9-128618983-G-A. GRCh37 (hg19) VCF-style: chr9-131381262-G-A.
Other names: c.5749G>A, p.Asp1917Asn (NM_001375318.1, NM_001375312.2); c.5698G>A, p.Asp1900Asn (NM_003127.4); c.5638G>A, p.Asp1880Asn (NM_001195532.2); c.5713G>A, p.Asp1905Asn (NM_001363759.2, NM_001375310.1, NM_001375311.2 and 1 more transcripts); c.5653G>A, p.Asp1885Asn (NM_001363765.2, NM_001375314.2); short protein forms D1885N, D1900N, D1880N, D1905N, D1917N.
Identifiers: ClinVar variation 3712401 (VCV003712401.2).
Genomic context (GRCh38, chr9:128,618,983, plus strand): 5'-GAAGAGGAAGAAGCCTGGATCAATGAGAAAATGACCCTGGTGGCCAGCGAAGATTATGGC[G>A]ACACTCTTGCCGCCATCCAGGTGAGACAGAAACCAAAGGTGTCACCTGCTTTCTCTCTTG-3'
Protein context (NP_001123910.1, residues 1895-1915): MTLVASEDYG[Asp1905Asn]TLAAIQGLLK